The following is an entry in ClinVar:

ClinVar aggregate classification (germline): Pathogenic/Likely pathogenic. Review status: criteria provided, multiple submitters, no conflicts (2 of 4 stars). 3 submissions from 3 submitters: Pathogenic (1); Likely pathogenic (2). Last evaluated 2025-10-20.

Conditions:
FLNC-related disorder. Also called: FLNC-related disorders; FLNC-related condition.
Cardiovascular phenotype. Identifiers: MedGen CN230736.

Submissions (3):

GeneDx
Classification: Likely pathogenic. Last evaluated: 2025-10-20. Review status: criteria provided, single submitter. Criteria: GeneDx Variant Classification Process June 2021. Collection method: clinical testing. Allele origin: germline. Affected: yes.
Comment: Reported as part of a study analyzing disease-penetrance of FLNC loss-of-function variants in individuals who were unaffected at the time of testing; proband-specific details were not provided (PMID: 35699965); Frameshift variant predicted to result in protein truncation or nonsense mediated decay in a gene for which loss of function is a known mechanism of disease; Not observed at significant frequency in large population cohorts (gnomAD); This variant is associated with the following publications: (PMID: 35699965)

PreventionGenetics, part of Exact Sciences
Classification: Likely pathogenic for FLNC-related condition. Last evaluated: 2025-03-28. Review status: criteria provided, single submitter. Criteria: ACMG Guidelines, 2015. Collection method: clinical testing. Allele origin: germline.
Comment: The FLNC c.3901_3904delGACA variant is predicted to result in a frameshift and premature protein termination (p.Asp1301Profs*3). This variant was reported in an association study examining loss of function variants in FLNC with increased risk of arrhythmogenic cardiomyopathy phenotypes; however, their affected status was not specified (Carruth et al. 2022. PubMed ID: 35699965). This variant has not been reported in a large population database (gnomAD), indicating this variant is rare. Frameshift variants in FLNC are expected to be pathogenic. This variant is interpreted as likely pathogenic.

Ambry Genetics
Classification: Pathogenic for Cardiovascular phenotype. Last evaluated: 2022-09-08. Review status: criteria provided, single submitter. Criteria: Ambry Variant Classification Scheme 2023. Collection method: clinical testing. Allele origin: germline.
Comment: The c.3901_3904delGACA pathogenic mutation, located in coding exon 22 of the FLNC gene, results from a deletion of 4 nucleotides at nucleotide positions 3901 to 3904, causing a translational frameshift with a predicted alternate stop codon (p.D1301Pfs*3). This variant is considered to be rare based on population cohorts in the Genome Aggregation Database (gnomAD). This alteration is expected to result in loss of function by premature protein truncation or nonsense-mediated mRNA decay. As such, this alteration is interpreted as a disease-causing mutation.

Literature cited by the submitters: PubMed 35699965 (cited by Ambry Genetics).

NM_001458.5(FLNC):c.3901_3904del (p.Asp1301fs)

Gene: FLNC (filamin C; plus strand). Cytogenetic location: 7q32.1.
Variant type: Microsatellite.
Coding change: c.3901_3904del on transcript NM_001458.5 (MANE Select); coding-DNA positions 3901 to 3904, 4 bases deleted (GACA; older notation c.3901_3904delGACA).
Protein change: p.Asp1301fs; shifts the reading frame from aspartic acid 1301.
Molecular consequence: frameshift variant.
Genome position (GRCh38, 1-based): chr7:128,846,100-128,846,103, GACA deleted; deleting any 4 consecutive bases within chr7:128,846,095-128,846,103 gives the same sequence; the c. name uses the placement nearest the transcript's 3' end. VCF-style (leftmost placement, unchanged base first): chr7-128846094-AAGAC-A. GRCh37 (hg19) VCF-style: chr7-128486148-AAGAC-A.
Other names: c.3901_3904del (NM_001458.4); c.3901_3904del, p.Asp1301fs (NM_001127487.2); c.3897_3900GACA[1], p.Asp1301Profs (NM_001458.4); c.3901_3904delGACA (NM_001458.4); short protein forms D1301fs.
Identifiers: ClinVar variation 1736024 (VCV001736024.5), dbSNP rs2536641018, ClinGen allele CA2579014274.